The following is an entry in ClinVar:

ClinVar aggregate classification (germline): Conflicting classifications of pathogenicity. Review status: criteria provided, conflicting classifications (1 of 4 stars). 2 submissions from 2 submitters: Uncertain significance (1); Likely benign (1). Last evaluated 2023-03-23.

Conditions:
Hereditary cancer-predisposing syndrome. Also called: Hereditary Cancer Syndrome; Hereditary neoplastic syndrome; Neoplastic Syndromes, Hereditary; Tumor predisposition. Identifiers: Orphanet 140162, MedGen C0027672, MeSH D009386, MONDO:0015356.

Submissions (2):

University of Washington Department of Laboratory Medicine, University of Washington
Classification: Likely benign for Hereditary cancer-predisposing syndrome. Last evaluated: 2023-03-23. Review status: criteria provided, single submitter. Criteria: Dines et al. (Genet Med. 2020). Collection method: curation. Allele origin: germline.
Comment: Missense variant in a coldspot region where missense variants are very unlikely to be pathogenic (PMID:31911673).

BRCA2 exon 10 coldspot. Reclassification based on statistical prior probability.

Ambry Genetics
Classification: Uncertain significance for Hereditary cancer-predisposing syndrome. Last evaluated: 2020-05-05. Review status: criteria provided, single submitter. Criteria: Ambry Variant Classification Scheme 2023. Collection method: clinical testing. Allele origin: germline.
Comment: The p.P458L variant (also known as c.1373C>T), located in coding exon 9 of the BRCA2 gene, results from a C to T substitution at nucleotide position 1373. The proline at codon 458 is replaced by leucine, an amino acid with similar properties. This amino acid position is poorly conserved in available vertebrate species. In addition, this alteration is predicted to be tolerated by in silico analysis. Since supporting evidence is limited at this time, the clinical significance of this alteration remains unclear.

NM_000059.4(BRCA2):c.1373C>T (p.Pro458Leu)

Gene: BRCA2 (BRCA2 DNA repair associated; plus strand). Cytogenetic location: 13q13.1.
Variant type: single nucleotide variant.
Coding change: c.1373C>T on transcript NM_000059.4 (MANE Select); coding-DNA position 1373, C replaced by T.
Protein change: p.Pro458Leu; replaces proline 458 with leucine.
Molecular consequence: missense variant.
Genome position (GRCh38, 1-based): chr13:32,332,851, C>T. VCF-style: chr13-32332851-C-T. GRCh37 (hg19) VCF-style: chr13-32906988-C-T.
Other names: c.1373C>T, p.Pro458Leu (NM_001406719.1, NM_001406720.1, NM_001406721.1); short protein forms P458L.
Identifiers: ClinVar variation 1771096 (VCV001771096.4), dbSNP rs2137470775, ClinGen allele CA387762938.